The following is an entry in ClinVar:

ClinVar aggregate classification (germline): Uncertain significance (1 of 4 stars; one submission).

Conditions:
Ataxia-telangiectasia syndrome (AT). Also called: Ataxia-telangiectasia, complementation group D; AT, COMPLEMENTATION GROUP C; Ataxia-telangiectasia; Ataxia telangiectasia (A-T); Cerebello-oculocutaneous telangiectasia; Immunodeficiency with ataxia telangiectasia. Identifiers: Orphanet 100, MedGen C0004135, MONDO:0008840, OMIM 208900.

Submission:

Labcorp Genetics (formerly Invitae), Labcorp
Classification: Uncertain significance for Ataxia-telangiectasia syndrome. Last evaluated: 2024-06-19. Review status: criteria provided, single submitter. Criteria: Invitae Variant Classification Sherloc (09022015). Collection method: clinical testing. Allele origin: germline.
Comment: This sequence change replaces aspartic acid, which is acidic and polar, with valine, which is neutral and non-polar, at codon 130 of the ATM protein (p.Asp130Val). This variant is not present in population databases (gnomAD no frequency). This variant has not been reported in the literature in individuals affected with ATM-related conditions. An algorithm developed to predict the effect of missense changes on protein structure and function (PolyPhen-2) suggests that this variant is likely to be disruptive. In summary, the available evidence is currently insufficient to determine the role of this variant in disease. Therefore, it has been classified as a Variant of Uncertain Significance.

NM_000051.4(ATM):c.389A>T (p.Asp130Val)

Gene: ATM (ATM serine/threonine kinase; plus strand). Cytogenetic location: 11q22.3.
Variant type: single nucleotide variant.
Coding change: c.389A>T on transcript NM_000051.4 (MANE Select); coding-DNA position 389, A replaced by T.
Protein change: p.Asp130Val; replaces aspartic acid 130 with valine.
Molecular consequence: missense variant.
Genome position (GRCh38, 1-based): chr11:108,235,727, A>T. VCF-style: chr11-108235727-A-T. GRCh37 (hg19) VCF-style: chr11-108106454-A-T.
Other names: c.389A>T, p.Asp130Val (NM_001351834.2); short protein forms D130V.
Identifiers: ClinVar variation 3606987 (VCV003606987.2).